The following is an entry in ClinVar:

ClinVar aggregate classification (germline): Uncertain significance (1 of 4 stars; one submission).

Allele frequency attached by ClinVar (database versions not stated): gnomAD exomes below 0.00001; ExAC 0.00002; gnomAD 0.00003; TOPMed 0.00004.
gnomAD v4.1: 9 of 1,614,016 alleles (0.00056%); highest among the groups gnomAD compares: African/African-American, 0.012%; no homozygotes.

Submission:

GeneDx
Classification: Uncertain significance. Last evaluated: 2022-09-20. Review status: criteria provided, single submitter. Criteria: GeneDx Variant Classification Process June 2021. Collection method: clinical testing. Allele origin: germline. Affected: yes.
Comment: In silico analysis supports that this missense variant does not alter protein structure/function; Has not been previously published as pathogenic or benign to our knowledge

NM_001127453.2(GSDME):c.43G>A (p.Ala15Thr)

Gene: GSDME (gasdermin E; minus strand). Cytogenetic location: 7p15.3.
Variant type: single nucleotide variant.
Coding change: c.43G>A on transcript NM_001127453.2 (MANE Select); coding-DNA position 43, G replaced by A.
Protein change: p.Ala15Thr; replaces alanine 15 with threonine.
Molecular consequence: missense variant. On other transcripts: intron variant (1).
Genome position (GRCh38, 1-based): chr7:24,749,732, C>T on the plus strand (G>A on the coding strand, the complement: GSDME is on the minus strand). VCF-style: chr7-24749732-C-T. GRCh37 (hg19) VCF-style: chr7-24789351-C-T.
Other names: c.43G>A, p.Ala15Thr (NM_004403.3); c.-281-4978G>A (NM_001127454.2); short protein forms A15T.
Identifiers: ClinVar variation 2444640 (VCV002444640.1), dbSNP rs753206194, ClinGen allele CA4191855.